The following is an entry in ClinVar:

ClinVar aggregate classification (germline): Conflicting classifications of pathogenicity. Review status: criteria provided, conflicting classifications (1 of 4 stars). 8 submissions from 7 submitters: Uncertain significance (1); Benign (2); Likely benign (5). Last evaluated 2026-01-10.

Conditions:
Cardiomyopathy (CMYO). Also called: Cardiomyopathies. Identifiers: Orphanet 167848, MedGen C0878544, MONDO:0004994, HP:0001638. Inheritance: Various modes of inheritance.
Catecholaminergic polymorphic ventricular tachycardia (CVPT). Also called: Catecholamine-induced polymorphic ventricular tachycardia. Identifiers: Orphanet 3286, MedGen C5574922, MONDO:0017990.
Catecholaminergic polymorphic ventricular tachycardia 1. Also called: VENTRICULAR TACHYCARDIA, STRESS-INDUCED POLYMORPHIC 1; VENTRICULAR TACHYCARDIA, CATECHOLAMINERGIC POLYMORPHIC, 1, WITH OR WITHOUT ATRIAL DYSFUNCTION AND/OR DILATED CARDIOMYOPATHY; RYR2-Related Catecholaminergic Polymorphic Ventricular Tachycardia. Identifiers: Orphanet 3286, MedGen C1631597, MONDO:0011484, OMIM 604772.
Arrhythmogenic right ventricular dysplasia 2. Identifiers: MedGen C1832931.
Cardiovascular phenotype. Identifiers: MedGen CN230736.

Allele frequency attached by ClinVar (database versions not stated): ExAC 0.00021; 1000 Genomes Project 30x 0.00062; 1000 Genomes Project 0.00080; gnomAD below 0.00001 and 0.00006; TOPMed 0.00002; gnomAD exomes 0.00010 and 0.00019.
gnomAD v4.1: 156 of 1,613,292 alleles (0.0097%); highest among the groups gnomAD compares: South Asian, 0.16%; 3 homozygotes.

Submissions (8):

Labcorp Genetics (formerly Invitae), Labcorp
Classification: Benign for Catecholaminergic polymorphic ventricular tachycardia 1. Last evaluated: 2026-01-10. Review status: criteria provided, single submitter. Criteria: Invitae Variant Classification Sherloc (09022015). Collection method: clinical testing. Allele origin: germline.

Blueprint Genetics
Classification: Likely benign. Last evaluated: 2024-01-18. Review status: criteria provided, single submitter. Criteria: ACMG Guidelines, 2015. Collection method: clinical testing. Allele origin: germline.

All of Us Research Program, National Institutes of Health
Classification: Likely benign for Catecholaminergic polymorphic ventricular tachycardia. Last evaluated: 2024-01-11. Review status: criteria provided, single submitter. Criteria: ACMG Guidelines, 2015. Collection method: clinical testing. Allele origin: germline. Inheritance: Autosomal dominant inheritance. Observed: 8 variant alleles, 8 heterozygotes.
Comment: This study involves interpretation of variants in research participants for the purpose of population health screening. Participant phenotype was not available at the time of variant classification. Additional details can be found in publication PMID: 35346344, PMCID: PMC8962531

Ambry Genetics
Classification: Likely benign for Cardiovascular phenotype. Last evaluated: 2022-04-19. Review status: criteria provided, single submitter. Criteria: Ambry Variant Classification Scheme 2023. Collection method: clinical testing. Allele origin: germline.

CeGaT Center for Human Genetics Tuebingen
Classification: Benign. Last evaluated: 2022-03-01. Review status: criteria provided, single submitter. Criteria: CeGaT Center For Human Genetics Tuebingen Variant Classification Criteria Version 2. Collection method: clinical testing. Allele origin: germline. Affected: yes. Observed: 1 variant allele.
Comment: RYR2: BS1, BS2

Color Diagnostics, LLC DBA Color Health
Classification: Likely benign for Cardiomyopathy. Last evaluated: 2019-10-08. Review status: criteria provided, single submitter. Criteria: ACMG Guidelines, 2015. Collection method: clinical testing. Allele origin: germline.

Illumina Laboratory Services, Illumina
Classification: Uncertain significance for Catecholaminergic polymorphic ventricular tachycardia 1. Last evaluated: 2018-01-12. Review status: criteria provided, single submitter. Criteria: ICSL Variant Classification Criteria 13 December 2019. Collection method: clinical testing. Allele origin: germline.

Illumina Laboratory Services, Illumina
Classification: Likely benign for Catecholaminergic polymorphic ventricular tachycardia 1. Last evaluated: 2018-01-12. Review status: criteria provided, single submitter. Criteria: ICSL Variant Classification Criteria 13 December 2019. Collection method: clinical testing. Allele origin: germline.
Comment: This variant was observed in the ICSL laboratory as part of a predisposition screen in an ostensibly healthy population. It had not been previously curated by ICSL or reported in the Human Gene Mutation Database (HGMD: prior to June 1st, 2018), and was therefore a candidate for classification through an automated scoring system. Utilizing variant allele frequency, disease prevalence and penetrance estimates, and inheritance mode, an automated score was calculated to assess if this variant is too frequent to cause the disease. Based on the score and internal cut-off values, a variant classified as likely benign is not then subjected to further curation. The score for this variant resulted in a classification of likely benign for this disease.

NM_001035.3(RYR2):c.2910C>T (p.Tyr970=)

Gene: RYR2 (ryanodine receptor 2; plus strand). Cytogenetic location: 1q43.
Variant type: single nucleotide variant.
Coding change: c.2910C>T on transcript NM_001035.3 (MANE Select); coding-DNA position 2910, C replaced by T.
Protein change: p.Tyr970=; no amino-acid change (tyrosine 970 retained).
Molecular consequence: synonymous variant.
Genome position (GRCh38, 1-based): chr1:237,548,434, C>T. VCF-style: chr1-237548434-C-T. GRCh37 (hg19) VCF-style: chr1-237711734-C-T.
Other names: c.2910C>T, p.Tyr970= (LRG_402t1).
Identifiers: ClinVar variation 463590 (VCV000463590.46), dbSNP rs575899061, ClinGen allele CA086238.